The following is an entry in ClinVar:

ClinVar aggregate classification (germline): Pathogenic. Review status: criteria provided, multiple submitters, no conflicts (2 of 4 stars). 3 submissions from 3 submitters: Pathogenic (3). Last evaluated 2024-12-05.

Conditions:
Hereditary cancer-predisposing syndrome. Also called: Hereditary neoplastic syndrome; Tumor predisposition; Neoplastic Syndromes, Hereditary; Hereditary Cancer Syndrome. Identifiers: Orphanet 140162, MedGen C0027672, MeSH D009386, MONDO:0015356.
Ataxia-telangiectasia syndrome (AT). Also called: LOUIS-BAR SYNDROME; Ataxia telangiectasia (A-T); Cerebello-oculocutaneous telangiectasia; Immunodeficiency with ataxia telangiectasia; ATAXIA-TELANGIECTASIA, COMPLEMENTATION GROUP A; ATAXIA-TELANGIECTASIA, FRESNO VARIANT. Identifiers: Orphanet 100, MedGen C0004135, MONDO:0008840, OMIM 208900.
Familial cancer of breast. Also called: Hereditary breast cancer; hereditary breast carcinoma; BREAST CANCER, FAMILIAL. Identifiers: Orphanet 227535, MedGen C0346153, MONDO:0016419, OMIM 114480. Disease mechanism: loss of function.

Submissions (3):

Ambry Genetics
Classification: Pathogenic for Hereditary cancer-predisposing syndrome. Last evaluated: 2024-12-05. Review status: criteria provided, single submitter. Criteria: Ambry Variant Classification Scheme 2023. Collection method: clinical testing. Allele origin: germline.
Comment: The c.2304_2305insTT pathogenic mutation, located in coding exon 14 of the ATM gene, results from an insertion of two nucleotides at position 2304, causing a translational frameshift with a predicted alternate stop codon (p.E769Lfs*9). In addition to the information presented in the literature, this alteration is expected to result in loss of function by premature protein truncation or nonsense-mediated mRNA decay. As such, this alteration is interpreted as a disease-causing mutation.

Myriad Genetics, Inc.
Classification: Pathogenic for Familial cancer of breast. Last evaluated: 2024-03-13. Review status: criteria provided, single submitter. Criteria: Myriad Autosomal Dominant, Autosomal Recessive and X-Linked Classification Criteria (2023). Collection method: clinical testing. Allele origin: unknown.
Comment: This variant is considered pathogenic. This variant creates a frameshift predicted to result in premature protein truncation.

Labcorp Genetics (formerly Invitae), Labcorp
Classification: Pathogenic for Ataxia-telangiectasia syndrome. Last evaluated: 2022-07-19. Review status: criteria provided, single submitter. Criteria: Invitae Variant Classification Sherloc (09022015). Collection method: clinical testing. Allele origin: germline.
Comment: This variant has not been reported in the literature in individuals affected with ATM-related conditions. This variant is not present in population databases (gnomAD no frequency). This sequence change creates a premature translational stop signal (p.Glu769Leufs*9) in the ATM gene. It is expected to result in an absent or disrupted protein product. Loss-of-function variants in ATM are known to be pathogenic (PMID: 23807571, 25614872). For these reasons, this variant has been classified as Pathogenic. ClinVar contains an entry for this variant (Variation ID: 953584).

Literature cited by the submitters: PubMed 33598286 (cited by Ambry Genetics); PubMed 36704080 (cited by Ambry Genetics); PubMed 23807571 (cited by Labcorp Genetics (formerly Invitae), Labcorp); PubMed 25614872 (cited by Labcorp Genetics (formerly Invitae), Labcorp).

NM_000051.4(ATM):c.2304_2305insTT (p.Glu769fs)

Gene: ATM (ATM serine/threonine kinase; plus strand). Cytogenetic location: 11q22.3.
Variant type: Insertion.
Coding change: c.2304_2305insTT on transcript NM_000051.4 (MANE Select); coding-DNA positions 2304 to 2305, TT inserted.
Protein change: p.Glu769fs; shifts the reading frame from glutamic acid 769.
Molecular consequence: frameshift variant.
Genome position: GRCh38 VCF-style: chr11-108257533-A-ATT. GRCh37 (hg19) VCF-style: chr11-108128260-A-ATT.
Other names: c.2304_2305insTT, p.Glu769fs (NM_001351834.2); short protein forms E769fs.
Identifiers: ClinVar variation 953584 (VCV000953584.9), dbSNP rs2080577927, ClinGen allele CA1139662168.
Genomic context (GRCh38, chr11:108,257,533, plus strand): 5'-CACAATAGTCTCTAATGCAATGTGCAGGAGAAAGTATCACTCTGTTTAAAAATAAGACAA[A>ATT]TGAGGAATTCAGAATTGGTTCCTTGAGAAATATGATGCAGCTATGTACACGTTGCTTGAG-3'